The following is an entry in ClinVar:

ClinVar aggregate classification (germline): Uncertain significance (1 of 4 stars; one submission).

Allele frequency attached by ClinVar (database versions not stated): ExAC 0.00001; gnomAD exomes 0.00003; TOPMed 0.00003; gnomAD 0.00005; ESP Exome Variant Server 0.00008.
gnomAD v4.1: 55 of 1,613,732 alleles (0.0034%); highest among the groups gnomAD compares: Non-Finnish European, 0.0044%; no homozygotes.

Submission:

Labcorp Genetics (formerly Invitae), Labcorp
Classification: Uncertain significance. Last evaluated: 2024-10-17. Review status: criteria provided, single submitter. Criteria: Invitae Variant Classification Sherloc (09022015). Collection method: clinical testing. Allele origin: germline.
Comment: This sequence change replaces methionine, which is neutral and non-polar, with valine, which is neutral and non-polar, at codon 587 of the USP53 protein (p.Met587Val). This variant is present in population databases (rs368871423, gnomAD 0.005%). This variant has not been reported in the literature in individuals affected with USP53-related conditions. ClinVar contains an entry for this variant (Variation ID: 1989386). Invitae Evidence Modeling of protein sequence and biophysical properties (such as structural, functional, and spatial information, amino acid conservation, physicochemical variation, residue mobility, and thermodynamic stability) indicates that this missense variant is not expected to disrupt USP53 protein function with a negative predictive value of 80%. In summary, the available evidence is currently insufficient to determine the role of this variant in disease. Therefore, it has been classified as a Variant of Uncertain Significance.

NM_001371395.1(USP53):c.1759A>G (p.Met587Val)

Gene: USP53 (ubiquitin specific peptidase 53; plus strand). Cytogenetic location: 4q26.
Variant type: single nucleotide variant.
Coding change: c.1759A>G on transcript NM_001371395.1 (MANE Select); coding-DNA position 1759, A replaced by G.
Protein change: p.Met587Val; replaces methionine 587 with valine.
Molecular consequence: missense variant.
Genome position (GRCh38, 1-based): chr4:119,271,619, A>G. VCF-style: chr4-119271619-A-G. GRCh37 (hg19) VCF-style: chr4-120192774-A-G.
Other names: c.1606A>G, p.Met536Val (NM_001371396.1, NM_001389661.1); c.1759A>G, p.Met587Val (NM_001371397.1, NM_001371398.1, NM_001371399.1 and 3 more transcripts); c.1609A>G, p.Met537Val (NM_001389660.1); c.1411A>G, p.Met471Val (NM_001389662.1, NM_001389663.1, NM_001389664.1 and 1 more transcripts); c.1258A>G, p.Met420Val (NM_001389665.1, NM_001389667.1); short protein forms M536V, M587V, M420V, M537V, M471V.
Identifiers: ClinVar variation 1989386 (VCV001989386.3), dbSNP rs368871423, ClinGen allele CA3059223.
Genomic context (GRCh38, chr4:119,271,619, plus strand): 5'-AGGGATAGAGGAAACAGCTGTGATAGCAGCAGTAAAAGCCGGAACCGAGGTTGGAAACCT[A>G]TGAGAGAAACATTAAATGTTGATAGTATTTTTAGTGAAAGTGAAAAAAGACAGCATAGTC-3'
Protein context (NP_001358324.1, residues 577-597): SKSRNRGWKP[Met587Val]RETLNVDSIF